The following is an entry in ClinVar:

ClinVar aggregate classification (germline): Uncertain significance. Review status: criteria provided, multiple submitters, no conflicts (2 of 4 stars). 3 submissions from 3 submitters: Uncertain significance (2). 1 of the submissions does not count toward it. Last evaluated 2024-09-26.

Conditions:
MAGEL2-related disorder. Also called: MAGEL2-related condition.
Inborn genetic diseases. Identifiers: MedGen C0950123, MeSH D030342.

Allele frequency attached by ClinVar (database versions not stated): gnomAD exomes below 0.00001 and 0.00001; gnomAD 0.00001 and 0.00002; TOPMed 0.00002.
gnomAD v4.1: 14 of 1,612,876 alleles (0.00087%); highest among the groups gnomAD compares: Non-Finnish European, 0.0012%; no homozygotes.

Submissions (3):

Ambry Genetics
Classification: Uncertain significance for Inborn genetic diseases. Last evaluated: 2024-09-26. Review status: criteria provided, single submitter. Criteria: Ambry Variant Classification Scheme 2023. Collection method: clinical testing. Allele origin: germline.

Eurofins Ntd Llc (ga)
Classification: Uncertain significance. Last evaluated: 2018-02-06. Review status: criteria provided, single submitter. Criteria: EGL Classification Definitions 2015. Collection method: clinical testing. Allele origin: germline. Observed: 2 variant alleles, 2 heterozygotes.

PreventionGenetics, part of Exact Sciences
Classification: Uncertain significance for MAGEL2-related condition. Last evaluated: 2024-03-13. Review status: no assertion criteria provided. Collection method: clinical testing. Allele origin: germline. Not counted in ClinVar's aggregate classification.
Comment: The MAGEL2 c.2849G>A variant is predicted to result in the amino acid substitution p.Ser950Asn. To our knowledge, this variant has not been reported in the literature. This variant is reported in 0.00089% of alleles in individuals of European (Non-Finnish) descent in gnomAD. At this time, the clinical significance of this variant is uncertain due to the absence of conclusive functional and genetic evidence.

NM_019066.5(MAGEL2):c.2849G>A (p.Ser950Asn)

Gene: MAGEL2 (MAGE family member L2; minus strand). Cytogenetic location: 15q11.2.
Variant type: single nucleotide variant.
Coding change: c.2849G>A on transcript NM_019066.5 (MANE Select); coding-DNA position 2849, G replaced by A.
Protein change: p.Ser950Asn; replaces serine 950 with asparagine.
Molecular consequence: missense variant.
Genome position (GRCh38, 1-based): chr15:23,644,894, C>T on the plus strand (G>A on the coding strand, the complement: MAGEL2 is on the minus strand). VCF-style: chr15-23644894-C-T. GRCh37 (hg19) VCF-style: chr15-23890041-C-T.
Other names: c.2849G>A (NM_019066.4); short protein forms S950N.
Identifiers: ClinVar variation 595849 (VCV000595849.9), dbSNP rs1372637645, ClinGen allele CA391327125.